The following is an entry in ClinVar:

ClinVar aggregate classification (germline): Uncertain significance (1 of 4 stars; one submission).

Conditions:
Inborn genetic diseases. Identifiers: MedGen C0950123, MeSH D030342.

Submission:

Ambry Genetics
Classification: Uncertain significance for Inborn genetic diseases. Last evaluated: 2020-12-22. Review status: criteria provided, single submitter. Criteria: Ambry Variant Classification Scheme 2023. Collection method: clinical testing. Allele origin: germline.
Comment: The p.A187V variant (also known as c.560C>T), located in coding exon 6 of the PLEKHG5 gene, results from a C to T substitution at nucleotide position 560. The alanine at codon 187 is replaced by valine, an amino acid with similar properties. This amino acid position is poorly conserved in available vertebrate species. In addition, this alteration is predicted to be tolerated by in silico analysis. Since supporting evidence is limited at this time, the clinical significance of this alteration remains unclear.

NM_020631.6(PLEKHG5):c.560C>T (p.Ala187Val)

Gene: PLEKHG5 (pleckstrin homology and RhoGEF domain containing G5; minus strand). Cytogenetic location: 1p36.31.
Variant type: single nucleotide variant.
Coding change: c.560C>T on transcript NM_020631.6 (MANE Select); coding-DNA position 560, C replaced by T.
Protein change: p.Ala187Val; replaces alanine 187 with valine.
Molecular consequence: missense variant.
Genome position (GRCh38, 1-based): chr1:6,474,044, G>A on the plus strand (C>T on the coding strand, the complement: PLEKHG5 is on the minus strand). VCF-style: chr1-6474044-G-A. GRCh37 (hg19) VCF-style: chr1-6534104-G-A.
Other names: c.671C>T, p.Ala224Val (NM_001042663.3, NM_001265592.2); c.560C>T, p.Ala187Val (NM_001042664.2, NM_001042665.2, NM_001265594.3 and 1 more transcripts); c.767C>T, p.Ala256Val (NM_001265593.2); short protein forms A224V, A256V, A187V.
Identifiers: ClinVar variation 1748618 (VCV001748618.2), dbSNP rs2523202921, ClinGen allele CA338138487.